The following is an entry in ClinVar:

ClinVar aggregate classification (germline): Uncertain significance (1 of 4 stars; one submission).

Conditions:
Cystic fibrosis (CF). Also called: MUCOVISCIDOSIS. Identifiers: Orphanet 586, MedGen C0010674, MONDO:0009061, OMIM 219700. Disease mechanism: loss of function.

Submission:

Ambry Genetics
Classification: Uncertain significance for Cystic fibrosis. Last evaluated: 2026-03-25. Review status: criteria provided, single submitter. Criteria: Ambry Variant Classification Scheme 2023. Collection method: clinical testing. Allele origin: germline.
Comment: The p.N635D variant (also known as c.1903A>G), located in coding exon 14 of the CFTR gene, results from an A to G substitution at nucleotide position 1903. The asparagine at codon 635 is replaced by aspartic acid, an amino acid with highly similar properties. This amino acid position is conserved. In addition, this alteration is predicted to be tolerated by in silico analysis. Based on the available evidence, the clinical significance of this variant remains unclear.

NM_000492.4(CFTR):c.1903A>G (p.Asn635Asp)

Gene: CFTR (CF transmembrane conductance regulator; plus strand). Cytogenetic location: 7q31.2.
Variant type: single nucleotide variant.
Coding change: c.1903A>G on transcript NM_000492.4 (MANE Select); coding-DNA position 1903, A replaced by G.
Protein change: p.Asn635Asp; replaces asparagine 635 with aspartic acid.
Molecular consequence: missense variant.
Genome position (GRCh38, 1-based): chr7:117,592,070, A>G. VCF-style: chr7-117592070-A-G. GRCh37 (hg19) VCF-style: chr7-117232124-A-G.
Other names: short protein forms N635D.
Identifiers: ClinVar variation 4868821 (VCV004868821.1).